The following is an entry in ClinVar:

NM_002234.4(KCNA5):c.1307T>G (p.Leu436Arg)

Gene: KCNA5 (potassium voltage-gated channel subfamily A member 5; plus strand). Cytogenetic location: 12p13.32.
Variant type: single nucleotide variant.
Coding change: c.1307T>G on transcript NM_002234.4 (MANE Select); coding-DNA position 1307, T replaced by G.
Protein change: p.Leu436Arg; replaces leucine 436 with arginine.
Molecular consequence: missense variant.
Genome position (GRCh38, 1-based): chr12:5,045,454, T>G. VCF-style: chr12-5045454-T-G. GRCh37 (hg19) VCF-style: chr12-5154620-T-G.
Other names: short protein forms L436R.
Identifiers: ClinVar variation 3113036 (VCV003113036.4), dbSNP rs963237421, ClinGen allele CA231868793.
Genomic context (GRCh38, chr12:5,045,454, plus strand): 5'-ACTCCAAGGGGCTGCAGATCCTGGGCAAGACCTTGCAGGCCTCCATGAGGGAGCTGGGGC[T>G]GCTCATCTTCTTCCTCTTCATCGGGGTCATCCTCTTCTCCAGTGCCGTCTACTTCGCAGA-3'
Protein context (NP_002225.2, residues 426-446): TLQASMRELG[Leu436Arg]LIFFLFIGVI

ClinVar aggregate classification (germline): Uncertain significance. Review status: criteria provided, multiple submitters, no conflicts (2 of 4 stars). 2 submissions from 2 submitters: Uncertain significance (2). Last evaluated 2026-04-08.

Conditions:
Atrial fibrillation, familial, 7 (ATFB7). Identifiers: MedGen C2677106, MONDO:0012828, OMIM 612240.
Inborn genetic diseases. Identifiers: MedGen C0950123, MeSH D030342.

Allele frequency attached by ClinVar (database versions not stated): gnomAD 0.00002; TOPMed 0.00011; gnomAD exomes below 0.00001.

Submissions (2):

Ambry Genetics
Classification: Uncertain significance for Inborn genetic diseases. Last evaluated: 2026-04-08. Review status: criteria provided, single submitter. Criteria: Ambry Variant Classification Scheme 2023. Collection method: clinical testing. Allele origin: germline.

Labcorp Genetics (formerly Invitae), Labcorp
Classification: Uncertain significance for Atrial fibrillation, familial, 7. Last evaluated: 2024-10-16. Review status: criteria provided, single submitter. Criteria: Invitae Variant Classification Sherloc (09022015). Collection method: clinical testing. Allele origin: germline.
Comment: This sequence change replaces leucine, which is neutral and non-polar, with arginine, which is basic and polar, at codon 436 of the KCNA5 protein (p.Leu436Arg). This variant is not present in population databases (gnomAD no frequency). This variant has not been reported in the literature in individuals affected with KCNA5-related conditions. Invitae Evidence Modeling of protein sequence and biophysical properties (such as structural, functional, and spatial information, amino acid conservation, physicochemical variation, residue mobility, and thermodynamic stability) indicates that this missense variant is expected to disrupt KCNA5 protein function with a positive predictive value of 80%. In summary, the available evidence is currently insufficient to determine the role of this variant in disease. Therefore, it has been classified as a Variant of Uncertain Significance.